The following is an entry in ClinVar:

ClinVar aggregate classification (germline): Uncertain significance (1 of 4 stars; one submission).

Submissions (2):

Labcorp Genetics (formerly Invitae), Labcorp
Classification: Uncertain significance. Last evaluated: 2025-06-22. Review status: criteria provided, single submitter. Criteria: Invitae Variant Classification Sherloc (09022015). Collection method: clinical testing. Allele origin: germline.
Comment: This sequence change replaces threonine, which is neutral and polar, with lysine, which is basic and polar, at codon 493 of the FH protein (p.Thr493Lys). This variant is not present in population databases (gnomAD no frequency). This variant has not been reported in the literature in individuals affected with FH-related conditions. ClinVar contains an entry for this variant (Variation ID: 582949). Invitae Evidence Modeling of protein sequence and biophysical properties (such as structural, functional, and spatial information, amino acid conservation, physicochemical variation, residue mobility, and thermodynamic stability) indicates that this missense variant is expected to disrupt FH protein function with a positive predictive value of 80%. Experimental studies have shown that this missense change does not substantially affect FH function (PMID: 37255402). In summary, the available evidence is currently insufficient to determine the role of this variant in disease. Therefore, it has been classified as a Variant of Uncertain Significance.

Blake Wilde Laboratory, Roswell Park Comprehensive Cancer Center
No classification provided (evidence only). Condition: Hereditary leiomyomatosis and renal cell cancer. Review status: no classification provided. Collection method: in vitro. Allele origin: not applicable. Functional consequence: functionally normal. Not counted in ClinVar's aggregate classification.

Literature cited by the submitters: PubMed 37255402 (cited by Labcorp Genetics (formerly Invitae), Labcorp).

NM_000143.4(FH):c.1478C>A (p.Thr493Lys)

Gene: FH (fumarate hydratase; minus strand). Cytogenetic location: 1q43.
Variant type: single nucleotide variant.
Coding change: c.1478C>A on transcript NM_000143.4 (MANE Select); coding-DNA position 1478, C replaced by A.
Protein change: p.Thr493Lys; replaces threonine 493 with lysine.
Molecular consequence: missense variant.
Genome position (GRCh38, 1-based): chr1:241,497,883, G>T on the plus strand (C>A on the coding strand, the complement: FH is on the minus strand). VCF-style: chr1-241497883-G-T. GRCh37 (hg19) VCF-style: chr1-241661183-G-T.
Other names: short protein forms T493K.
Identifiers: ClinVar variation 582949 (VCV000582949.8), dbSNP rs1558395446, ClinGen allele CA345450445.
Genomic context (GRCh38, chr1:241,497,883, plus strand): 5'-GTAAATCACTTTGGACCCAGCATGTCCTTAGGTTTTACCCATTCGTCAAACTGCTCTGCT[G>T]TGAGATAGCCAAGTTCGATAGCAGTTTCCTTTAAGGTTGATCCATTTTTGTGTGCTGTCT-3'
Protein context (NP_000134.2, residues 483-503): KETAIELGYL[Thr493Lys]AEQFDEWVKP